The following is an entry in ClinVar:

ClinVar aggregate classification (germline): Uncertain significance (1 of 4 stars; one submission).

Conditions:
Cardiovascular phenotype. Identifiers: MedGen CN230736.

Submission:

Ambry Genetics
Classification: Uncertain significance for Cardiovascular phenotype. Last evaluated: 2026-03-30. Review status: criteria provided, single submitter. Criteria: Ambry Variant Classification Scheme 2023. Collection method: clinical testing. Allele origin: germline.
Comment: The p.P159Q variant (also known as c.476C>A), located in coding exon 1 of the ALPK3 gene, results from a C to A substitution at nucleotide position 476. The proline at codon 159 is replaced by glutamine, an amino acid with similar properties. This amino acid position is conserved. In addition, this alteration is predicted to be tolerated by in silico analysis. Based on the available evidence, the clinical significance of this variant remains unclear.

NM_020778.4(ALPK3):c.476C>A

Gene: ALPK3 (alpha kinase 3; plus strand). Cytogenetic location: 15q25.3.
Variant type: single nucleotide variant.
Coding change: c.476C>A on transcript NM_020778.4; coding-DNA position 476, C replaced by A.
Genome position (GRCh38, 1-based): chr15:84,817,322, C>A. VCF-style: chr15-84817322-C-A. GRCh37 (hg19) VCF-style: chr15-85360553-C-A.
Identifiers: ClinVar variation 4871213 (VCV004871213.1).